The following is an entry in ClinVar:

ClinVar aggregate classification (germline): Uncertain significance (1 of 4 stars; one submission).

Submission:

Labcorp Genetics (formerly Invitae), Labcorp
Classification: Uncertain significance. Last evaluated: 2022-05-27. Review status: criteria provided, single submitter. Criteria: Invitae Variant Classification Sherloc (09022015). Collection method: clinical testing. Allele origin: germline.
Comment: In summary, the available evidence is currently insufficient to determine the role of this variant in disease. Therefore, it has been classified as a Variant of Uncertain Significance. Algorithms developed to predict the effect of missense changes on protein structure and function are either unavailable or do not agree on the potential impact of this missense change (SIFT: "Deleterious"; PolyPhen-2: "Not Available"; Align-GVGD: "Class C0"). This variant has not been reported in the literature in individuals affected with ASXL2-related conditions. This variant is not present in population databases (gnomAD no frequency). This sequence change replaces alanine, which is neutral and non-polar, with glycine, which is neutral and non-polar, at codon 796 of the ASXL2 protein (p.Ala796Gly).

NM_018263.6(ASXL2):c.2387C>G (p.Ala796Gly)

Gene: ASXL2 (ASXL transcriptional regulator 2; minus strand). Cytogenetic location: 2p23.3.
Variant type: single nucleotide variant.
Coding change: c.2387C>G on transcript NM_018263.6 (MANE Select); coding-DNA position 2387, C replaced by G.
Protein change: p.Ala796Gly; replaces alanine 796 with glycine.
Molecular consequence: missense variant.
Genome position (GRCh38, 1-based): chr2:25,743,950, G>C on the plus strand (C>G on the coding strand, the complement: ASXL2 is on the minus strand). VCF-style: chr2-25743950-G-C. GRCh37 (hg19) VCF-style: chr2-25966819-G-C.
Other names: c.2213C>G, p.Ala738Gly (NM_001369346.1); c.1607C>G, p.Ala536Gly (NM_001369347.1); short protein forms A536G, A796G, A738G.
Identifiers: ClinVar variation 1999531 (VCV001999531.4), dbSNP rs17854251, ClinGen allele CA346081130.
Genomic context (GRCh38, chr2:25,743,950, plus strand): 5'-GCCACTGTGGCTGTTGCTCTGGTGGGGTTCAGTTTTTCATTATCCAATTTCTCTATGTGG[G>C]CTGGTGATGGGACACTTGTGCATGCTCCACTGACGGCAGGTGTTGGAGGCACTGGGGGGG-3'
Protein context (NP_060733.4, residues 786-806): SGACTSVPSP[Ala796Gly]HIEKLDNEKL